The following is an entry in ClinVar:

NM_000257.4(MYH7):c.1956+6T>C

Gene: MYH7 (myosin heavy chain 7; minus strand). Cytogenetic location: 14q11.2.
Variant type: single nucleotide variant.
Coding change: c.1956+6T>C on transcript NM_000257.4 (MANE Select); 6 bases into the intron after coding-DNA position 1956, T replaced by C.
Molecular consequence: intron variant.
Genome position (GRCh38, 1-based): chr14:23,427,234, A>G on the plus strand (T>C on the coding strand, the complement: MYH7 is on the minus strand). VCF-style: chr14-23427234-A-G. GRCh37 (hg19) VCF-style: chr14-23896443-A-G.
Other names: c.1956+6T>C (NM_001407004.1).
Identifiers: ClinVar variation 3071221 (VCV003071221.1), dbSNP rs2502294598, ClinGen allele CA2624233505.

ClinVar aggregate classification (germline): Likely benign (1 of 4 stars; one submission).

Conditions:
Cardiomyopathy (CMYO). Also called: Cardiomyopathies. Identifiers: Orphanet 167848, MedGen C0878544, MONDO:0004994, HP:0001638. Inheritance: Various modes of inheritance.

Allele frequency attached by ClinVar (database versions not stated): gnomAD exomes below 0.00001.
gnomAD v4.1: 2 of 1,613,416 alleles (0.00012%); highest among the groups gnomAD compares: Non-Finnish European, 0.00017%; no homozygotes.

Submission:

All of Us Research Program, National Institutes of Health
Classification: Likely benign for Cardiomyopathy. Last evaluated: 2023-05-16. Review status: criteria provided, single submitter. Criteria: ACMG Guidelines, 2015. Collection method: clinical testing. Allele origin: germline. Inheritance: Autosomal dominant inheritance. Observed: 1 variant allele, 1 heterozygote.
Comment: This study involves interpretation of variants in research participants for the purpose of population health screening. Participant phenotype was not available at the time of variant classification. Additional details can be found in publication PMID: 35346344, PMCID: PMC8962531